The following is an entry in ClinVar:

NM_005676.5(RBM10):c.220C>T (p.Pro74Ser)

Gene: RBM10 (RNA binding motif protein 10; plus strand). Cytogenetic location: Xp11.3.
Variant type: single nucleotide variant.
Coding change: c.220C>T on transcript NM_005676.5 (MANE Select); coding-DNA position 220, C replaced by T.
Protein change: p.Pro74Ser; replaces proline 74 with serine.
Molecular consequence: missense variant. On other transcripts: intron variant (2).
Genome position (GRCh38, 1-based): chrX:47,171,046, C>T. VCF-style: chrX-47171046-C-T. GRCh37 (hg19) VCF-style: chrX-47030445-C-T.
Other names: c.220C>T, p.Pro74Ser (NM_001204467.2); c.415C>T, p.Pro139Ser (NM_001204468.2); c.201+1548C>T (NM_001204466.2, NM_152856.3); short protein forms P139S, P74S.
Identifiers: ClinVar variation 2660398 (VCV002660398.24), dbSNP rs967857316, ClinGen allele CA329043898.
Genomic context (GRCh38, chrX:47,171,046, plus strand): 5'-TGACTGCCCGTCTGGTGTCACTCATCTCATTCTGTCGGCCAGGATTCCTACGAGGCCTCC[C>T]CGGGCTCCGAGACTCAGCGTAGGCGGCGGCGGCGGCACAGGCACAGCCCCACCGGCCCGC-3'
Protein context (NP_005667.2, residues 64-84): QSAEDSYEAS[Pro74Ser]GSETQRRRRR

ClinVar aggregate classification (germline): Likely benign (1 of 4 stars; one submission).

Allele frequency attached by ClinVar (database versions not stated): gnomAD exomes 0.00001; TOPMed 0.00002; gnomAD 0.00001.
gnomAD v4.1: 10 of 1,209,349 alleles (0.00083%); highest among the groups gnomAD compares: African/African-American, 0.0017%; no homozygotes.

Submission:

CeGaT Center for Human Genetics Tuebingen
Classification: Likely benign. Last evaluated: 2026-01-01. Review status: criteria provided, single submitter. Criteria: CeGaT Center For Human Genetics Tuebingen Variant Classification Criteria Version 2. Collection method: clinical testing. Allele origin: germline. Affected: yes. Observed: 2 variant alleles.
Comment: RBM10: BS2